The following is an entry in ClinVar:

NM_144508.5(KNL1):c.1523T>A (p.Ile508Lys)

Gene: KNL1 (kinetochore scaffold 1; plus strand). Cytogenetic location: 15q15.1.
Variant type: single nucleotide variant.
Coding change: c.1523T>A on transcript NM_144508.5 (MANE Select); coding-DNA position 1523, T replaced by A.
Protein change: p.Ile508Lys; replaces isoleucine 508 with lysine.
Molecular consequence: missense variant.
Genome position (GRCh38, 1-based): chr15:40,621,787, T>A. VCF-style: chr15-40621787-T-A. GRCh37 (hg19) VCF-style: chr15-40913985-T-A.
Other names: c.1601T>A (NM_170589.4); c.1601T>A, p.Ile534Lys (NM_170589.5); short protein forms I534K, I508K.
Identifiers: ClinVar variation 886515 (VCV000886515.6), dbSNP rs199699274, ClinGen allele CA7482683.
Genomic context (GRCh38, chr15:40,621,787, plus strand): 5'-AGAGTCATACAGTTGCAATAGATAATCAAATTTTTAAACAAGATCAATCAAATGTGCAAA[T>A]AGCAGCTGCACCAACACCCGAAAAAGAAATGATGCTCCAAAATCTTATGACCACATCAGA-3'
Protein context (NP_653091.3, residues 498-518): IFKQDQSNVQ[Ile508Lys]AAAPTPEKEM

ClinVar aggregate classification (germline): Uncertain significance. Review status: criteria provided, single submitter (1 of 4 stars). 2 submissions from 2 submitters: Uncertain significance (1). 1 of the submissions does not count toward it. Last evaluated 2018-01-13.

Conditions:
Microcephaly 4, primary, autosomal recessive. Identifiers: Orphanet 2512, MedGen C1858516, MONDO:0011437, OMIM 604321.
KNL1-related disorder. Also called: KNL1-related condition.

Allele frequency attached by ClinVar (database versions not stated): gnomAD exomes 0.00015; 1000 Genomes Project 30x 0.00016; 1000 Genomes Project 0.00020; ExAC 0.00020; ESP Exome Variant Server 0.00058; gnomAD 0.00060 and 0.00065; TOPMed 0.00073.
gnomAD v4.1: 157 of 1,613,916 alleles (0.0097%); highest among the groups gnomAD compares: African/African-American, 0.19%; no homozygotes.

Submissions (2):

Illumina Laboratory Services, Illumina
Classification: Uncertain significance for Microcephaly 4, primary, autosomal recessive. Last evaluated: 2018-01-13. Review status: criteria provided, single submitter. Criteria: ICSL Variant Classification Criteria 13 December 2019. Collection method: clinical testing. Allele origin: germline.

PreventionGenetics, part of Exact Sciences
Classification: Likely benign for KNL1-related condition. Last evaluated: 2022-05-06. Review status: no assertion criteria provided. Collection method: clinical testing. Allele origin: germline. Not counted in ClinVar's aggregate classification.
Comment: This variant is classified as likely benign based on ACMG/AMP sequence variant interpretation guidelines (Richards et al. 2015 PMID: 25741868, with internal and published modifications).